The following is an entry in ClinVar:

ClinVar aggregate classification (germline): Uncertain significance. Review status: criteria provided, single submitter (1 of 4 stars). 2 submissions from 1 submitter: Uncertain significance (1). 1 of the submissions does not count toward it. Last evaluated 2020-12-14.

Submissions (2):

GeneDx
Classification: Uncertain significance. Last evaluated: 2020-12-14. Review status: criteria provided, single submitter. Criteria: GeneDx Variant Classification (06012015). Collection method: clinical testing. Allele origin: germline. Affected: yes.
Comment: Not observed in large population cohorts (Lek et al., 2016) In silico analysis supports that this missense variant has a deleterious effect on protein structure/function Has not been previously published as pathogenic or benign to our knowledge

GeneDx
Classification: Uncertain significance. Last evaluated: 2016-11-29. Review status: flagged submission. Criteria: GeneDx Variant Classification (06012015). Collection method: clinical testing. Allele origin: germline. Affected: yes. Not counted in ClinVar's aggregate classification.
Comment: The V430G variant in the MYCN gene has not been reported previously as a pathogenic variant, nor as a benign variant, to our knowledge. The V430G variant was not observed in approximately 6500 individuals of European and African American ancestry in the NHLBI Exome Sequencing Project, indicating it is not a common benign variant in these populations. The V430G variant is a conservative amino acid substitution, which is not likely to impact secondary protein structure as these residues share similar properties. This substitution occurs at a position that is conserved in mammals. In silico analysis predicts this variant is probably damaging to the protein structure/function. We interpret V430G as a variant of uncertain significance.
ClinVar note: Reason: This record appears to be redundant with a more recent record from the same submitter.
ClinVar note: Notes: SCV000491995 appears to be redundant with SCV001738319.

NM_005378.6(MYCN):c.1289T>G (p.Val430Gly)

Gene: MYCN (MYCN proto-oncogene, bHLH transcription factor; plus strand). Cytogenetic location: 2p24.3.
Variant type: single nucleotide variant.
Coding change: c.1289T>G on transcript NM_005378.6 (MANE Select); coding-DNA position 1289, T replaced by G.
Protein change: p.Val430Gly; replaces valine 430 with glycine.
Molecular consequence: missense variant. On other transcripts: 3 prime UTR variant (1).
Genome position (GRCh38, 1-based): chr2:15,945,991, T>G. VCF-style: chr2-15945991-T-G. GRCh37 (hg19) VCF-style: chr2-16086113-T-G.
Other names: c.1289T>G, p.Val430Gly (NM_001293228.2); c.656T>G, p.Val219Gly (NM_001293231.2); c.*1224T>G (NM_001293233.2); short protein forms V430G, V219G.
Identifiers: ClinVar variation 373403 (VCV000373403.2), dbSNP rs1057518397, ClinGen allele CA16042353.